The following is an entry in ClinVar:

NM_005431.2(XRCC2):c.119A>T (p.His40Leu)

Gene: XRCC2 (X-ray repair cross complementing 2; minus strand). Cytogenetic location: 7q36.1.
Variant type: single nucleotide variant.
Coding change: c.119A>T on transcript NM_005431.2 (MANE Select); coding-DNA position 119, A replaced by T.
Protein change: p.His40Leu; replaces histidine 40 with leucine.
Molecular consequence: missense variant.
Genome position (GRCh38, 1-based): chr7:152,660,703, T>A on the plus strand (A>T on the coding strand, the complement: XRCC2 is on the minus strand). VCF-style: chr7-152660703-T-A. GRCh37 (hg19) VCF-style: chr7-152357788-T-A.
Other names: short protein forms H40L.
Identifiers: ClinVar variation 3817832 (VCV003817832.1).
Genomic context (GRCh38, chr7:152,660,703, plus strand): 5'-TGTGAAAAATCCTTTTATAAAGATTTGCATTTATTTATATAAAGGTTGTATTTTTTACCA[T>A]GCACAGGTGAATCTTCATCAGCAAACAGATTTGGTTCTATTTCTTTCAAGGAACTTCTAC-3'
Protein context (NP_005422.1, residues 30-50): NLFADEDSPV[His40Leu]GDILEFHGPE

ClinVar aggregate classification (germline): Uncertain significance (1 of 4 stars; one submission).

Conditions:
Hereditary cancer-predisposing syndrome. Also called: Hereditary neoplastic syndrome; Neoplastic Syndromes, Hereditary; Tumor predisposition; Hereditary Cancer Syndrome. Identifiers: Orphanet 140162, MedGen C0027672, MeSH D009386, MONDO:0015356.

Submission:

Ambry Genetics
Classification: Uncertain significance for Hereditary cancer-predisposing syndrome. Last evaluated: 2024-12-13. Review status: criteria provided, single submitter. Criteria: Ambry Variant Classification Scheme 2023. Collection method: clinical testing. Allele origin: germline.
Comment: The p.H40L variant (also known as c.119A>T), located in coding exon 2 of the XRCC2 gene, results from an A to T substitution at nucleotide position 119. The histidine at codon 40 is replaced by leucine, an amino acid with similar properties. This amino acid position is conserved. In addition, this alteration is predicted to be tolerated by in silico analysis. Based on the available evidence, the clinical significance of this variant remains unclear.